The following is an entry in ClinVar:

ClinVar aggregate classification (germline): Pathogenic (1 of 4 stars; one submission).

Submission:

CeGaT Center for Human Genetics Tuebingen
Classification: Pathogenic. Last evaluated: 2022-04-01. Review status: criteria provided, single submitter. Criteria: CeGaT Center For Human Genetics Tuebingen Variant Classification Criteria Version 2. Collection method: clinical testing. Allele origin: germline. Affected: yes. Observed: 1 variant allele.
Comment: MAGED2: PVS1, PM2

NM_177433.3(MAGED2):c.1085_1085+12del

Gene: MAGED2 (MAGE family member D2; plus strand). Cytogenetic location: Xp11.21.
Variant type: Deletion.
Coding change: c.1085_1085+12del on transcript NM_177433.3 (MANE Select); coding-DNA position 1085 through 12 bases into the intron after coding-DNA position 1085, 13 bases deleted (CGTAAGCTGGGAA).
Molecular consequence: splice donor variant.
Genome position (GRCh38, 1-based): chrX:54,812,251-54,812,263, CGTAAGCTGGGAA deleted; deleting any 13 consecutive bases within chrX:54,812,244-54,812,263 gives the same sequence; the c. name uses the placement nearest the transcript's 3' end. VCF-style (leftmost placement, unchanged base first): chrX-54812243-ACTGGGAACGTAAG-A. GRCh37 (hg19) VCF-style: chrX-54838676-ACTGGGAACGTAAG-A.
Other names: c.1085_1085+12del (NM_014599.6, NM_201222.3).
Identifiers: ClinVar variation 1695306 (VCV001695306.31), dbSNP rs2147633958, ClinGen allele CA2580101253.